The following is an entry in ClinVar:

ClinVar aggregate classification (germline): Conflicting classifications of pathogenicity. Review status: criteria provided, conflicting classifications (1 of 4 stars). 2 submissions from 2 submitters: Uncertain significance (1); Likely benign (1). Last evaluated 2023-10-24.

Allele frequency attached by ClinVar (database versions not stated): ExAC 0.00006; TOPMed 0.00006; gnomAD 0.00009.
gnomAD v4.1: 28 of 1,614,028 alleles (0.0017%); highest among the groups gnomAD compares: Admixed American, 0.022%; no homozygotes.

Submissions (2):

Labcorp Genetics (formerly Invitae), Labcorp
Classification: Uncertain significance. Last evaluated: 2023-10-24. Review status: criteria provided, single submitter. Criteria: Invitae Variant Classification Sherloc (09022015). Collection method: clinical testing. Allele origin: germline.
Comment: This sequence change replaces glutamic acid, which is acidic and polar, with aspartic acid, which is acidic and polar, at codon 947 of the EFL1 protein (p.Glu947Asp). This variant is present in population databases (rs762724016, gnomAD 0.03%). This variant has not been reported in the literature in individuals affected with EFL1-related conditions. ClinVar contains an entry for this variant (Variation ID: 1906243). Algorithms developed to predict the effect of missense changes on protein structure and function output the following: SIFT: "Not Available"; PolyPhen-2: "Benign"; Align-GVGD: "Not Available". The aspartic acid amino acid residue is found in multiple mammalian species, which suggests that this missense change does not adversely affect protein function. In summary, the available evidence is currently insufficient to determine the role of this variant in disease. Therefore, it has been classified as a Variant of Uncertain Significance.

Blueprint Genetics
Classification: Likely benign. Last evaluated: 2022-07-05. Review status: criteria provided, single submitter. Criteria: ACMG Guidelines, 2015. Collection method: clinical testing. Allele origin: germline.

NM_024580.6(EFL1):c.2841A>T (p.Glu947Asp)

Gene: EFL1 (elongation factor like GTPase 1; minus strand). Cytogenetic location: 15q25.2.
Variant type: single nucleotide variant.
Coding change: c.2841A>T on transcript NM_024580.6 (MANE Select); coding-DNA position 2841, A replaced by T.
Protein change: p.Glu947Asp; replaces glutamic acid 947 with aspartic acid.
Molecular consequence: missense variant. On other transcripts: non-coding transcript variant (1).
Genome position (GRCh38, 1-based): chr15:82,151,613, T>A on the plus strand (A>T on the coding strand, the complement: EFL1 is on the minus strand). VCF-style: chr15-82151613-T-A. GRCh37 (hg19) VCF-style: chr15-82443954-T-A.
Other names: c.2688A>T, p.Glu896Asp (NM_001040610.3); c.2052A>T, p.Glu684Asp (NM_001322844.2); c.2841A>T, p.Glu947Asp (NM_001322845.2); short protein forms E896D, E947D, E684D.
Identifiers: ClinVar variation 1906243 (VCV001906243.4), dbSNP rs762724016, ClinGen allele CA7697696.